The following is an entry in ClinVar:

ClinVar aggregate classification (germline): Pathogenic (1 of 4 stars; one submission).

Conditions:
Periventricular nodular heterotopia 9. Identifiers: MedGen C5394503, MONDO:0030061, OMIM 618918.

Submission:

Department of Human Genetics, SALK University Hospital, Paracelsus Medical University Salzburg
Classification: Pathogenic for Periventricular nodular heterotopia 9. Last evaluated: 2025-11-03. Review status: criteria provided, single submitter. Criteria: ACMG Guidelines, 2015. Collection method: clinical testing. Allele origin: unknown. Inheritance: Autosomal dominant inheritance. Affected: yes.
Comment: Null variant (nonsense) predicted to result in protein truncation or nonsense mediated decay in a gene for which loss-of-function is a known mechanism of disease (gene has 41 reported pathogenic LOF variants). Not observed at significant frequency in large population cohorts (gnomAD). The following ACMG criteria were applied in classifying this variant: PP4, PVS1, PM2. This variant scored 13 points (13P-0B) using the point system described in PMID:32720330.

Literature cited by the submitters: PubMed 29738522; PubMed 30150678; PubMed 32720330.

NM_005909.5(MAP1B):c.6126C>A (p.Tyr2042Ter)

Gene: MAP1B (microtubule associated protein 1B; plus strand). Cytogenetic location: 5q13.2.
Variant type: single nucleotide variant.
Coding change: c.6126C>A on transcript NM_005909.5 (MANE Select); coding-DNA position 6126, C replaced by A.
Protein change: p.Tyr2042Ter; replaces tyrosine 2042 with a stop codon.
Molecular consequence: nonsense.
Genome position (GRCh38, 1-based): chr5:72,199,481, C>A. VCF-style: chr5-72199481-C-A. GRCh37 (hg19) VCF-style: chr5-71495308-C-A.
Other names: c.5748C>A, p.Tyr1916Ter (NM_001324255.2); short protein forms Y1916*, Y2042*.
Identifiers: ClinVar variation 4526403 (VCV004526403.1).